The following is an entry in ClinVar:

ClinVar aggregate classification (germline): Likely benign (1 of 4 stars; one submission).

Allele frequency attached by ClinVar (database versions not stated): gnomAD exomes 0.00006; ExAC 0.00010.
gnomAD v4.1: 90 of 1,535,936 alleles (0.0059%); highest among the groups gnomAD compares: East Asian, 0.022%; no homozygotes.

Submission:

CeGaT Center for Human Genetics Tuebingen
Classification: Likely benign. Last evaluated: 2022-03-01. Review status: criteria provided, single submitter. Criteria: CeGaT Center For Human Genetics Tuebingen Variant Classification Criteria Version 2. Collection method: clinical testing. Allele origin: germline. Affected: yes. Observed: 1 variant allele.
Comment: KIF26A: BP4, BP7

NM_015656.2(KIF26A):c.4782C>T (p.Ser1594=)

Gene: KIF26A (kinesin family member 26A; plus strand). Cytogenetic location: 14q32.33.
Variant type: single nucleotide variant.
Coding change: c.4782C>T on transcript NM_015656.2 (MANE Select); coding-DNA position 4782, C replaced by T.
Protein change: p.Ser1594=; no amino-acid change (serine 1594 retained).
Molecular consequence: synonymous variant.
Genome position (GRCh38, 1-based): chr14:104,177,570, C>T. VCF-style: chr14-104177570-C-T. GRCh37 (hg19) VCF-style: chr14-104643907-C-T.
Identifiers: ClinVar variation 2644610 (VCV002644610.24), dbSNP rs751276601, ClinGen allele CA7371378.
Genomic context (GRCh38, chr14:104,177,570, plus strand): 5'-AGCCCCGGGCCGAGGTGGCTCCTCGTGGGGCTCGGCGGACTCAGACAGCGGCCATGACAG[C>T]GGCGTGAACGTGGGGGAGGAGCGGCCACCCACGGGCCCGGCCCTGCCCTCCCCCTACAGC-3'
Protein context (NP_056471.1, residues 1584-1604): GSADSDSGHD[Ser1594=]GVNVGEERPP